The following is an entry in ClinVar:

NM_000321.3(RB1):c.1861C>A (p.Arg621Ser)

Gene: RB1 (RB transcriptional corepressor 1; plus strand). Cytogenetic location: 13q14.2.
Variant type: single nucleotide variant.
Coding change: c.1861C>A on transcript NM_000321.3 (MANE Select); coding-DNA position 1861, C replaced by A.
Protein change: p.Arg621Ser; replaces arginine 621 with serine.
Molecular consequence: missense variant.
Genome position (GRCh38, 1-based): chr13:48,456,250, C>A. VCF-style: chr13-48456250-C-A. GRCh37 (hg19) VCF-style: chr13-49030386-C-A.
Other names: short protein forms R621S.
Identifiers: ClinVar variation 135120 (VCV000135120.28), dbSNP rs367578442, ClinGen allele CA026403.

ClinVar aggregate classification (germline): Conflicting classifications of pathogenicity. Review status: criteria provided, conflicting classifications (1 of 4 stars). 10 submissions from 10 submitters: Uncertain significance (2); Benign (3); Likely benign (3). 2 of the submissions do not count toward it. Last evaluated 2026-06-22.

Conditions:
RB1-related disorder. Also called: RB1-related condition.
Hereditary cancer-predisposing syndrome. Also called: Tumor predisposition; Hereditary neoplastic syndrome; Neoplastic Syndromes, Hereditary; Hereditary Cancer Syndrome. Identifiers: Orphanet 140162, MedGen C0027672, MeSH D009386, MONDO:0015356.
Retinoblastoma (RB1). Also called: RETINOBLASTOMA, SOMATIC. Identifiers: Orphanet 790, MedGen C0035335, MeSH D012175, MONDO:0008380, OMIM 180200, HP:0009919. Disease mechanism: loss of function. Inheritance: Both sporadic and heritable forms are tested..

Allele frequency attached by ClinVar (database versions not stated): TOPMed 0.00006; 1000 Genomes Project 30x 0.00016.
gnomAD v4.1: 88 of 1,614,138 alleles (0.0055%); highest among the groups gnomAD compares: East Asian, 0.14%; no homozygotes.

Submissions (10):

Myriad Genetics, Inc.
Classification: Likely benign for Retinoblastoma. Last evaluated: 2026-06-22. Review status: criteria provided, single submitter. Criteria: Myriad Autosomal Dominant, Autosomal Recessive and X-Linked Classification Criteria (2023). Collection method: clinical testing. Allele origin: unknown.
Comment: This variant is considered likely benign. This variant has been observed at a population frequency that is significantly greater than expected given the associated disease prevalence and penetrance.

Labcorp Genetics (formerly Invitae), Labcorp
Classification: Benign for Retinoblastoma. Last evaluated: 2026-02-03. Review status: criteria provided, single submitter. Criteria: Invitae Variant Classification Sherloc (09022015). Collection method: clinical testing. Allele origin: germline.

Blueprint Genetics
Classification: Uncertain significance. Last evaluated: 2024-07-08. Review status: criteria provided, single submitter. Criteria: ACMG Guidelines, 2015. Collection method: clinical testing. Allele origin: germline.

Color Diagnostics, LLC DBA Color Health
Classification: Benign for Retinoblastoma. Last evaluated: 2022-05-02. Review status: criteria provided, single submitter. Criteria: ACMG Guidelines, 2015. Collection method: clinical testing. Allele origin: germline.

Ambry Genetics
Classification: Benign for Hereditary cancer-predisposing syndrome. Last evaluated: 2021-01-29. Review status: criteria provided, single submitter. Criteria: Ambry Variant Classification Scheme 2023. Collection method: clinical testing. Allele origin: germline.

Sema4
Classification: Likely benign for Hereditary cancer-predisposing syndrome. Last evaluated: 2020-12-14. Review status: criteria provided, single submitter. Criteria: Sema4 Curation Guidelines. Collection method: curation. Allele origin: germline.

GeneDx
Classification: Likely benign. Last evaluated: 2018-10-25. Review status: criteria provided, single submitter. Criteria: GeneDx Variant Classification Process June 2021. Collection method: clinical testing. Allele origin: germline. Affected: yes.
Comment: This variant is associated with the following publications: (PMID: 24728327, 24791139, 29192238)

Illumina Laboratory Services, Illumina
Classification: Uncertain significance for Retinoblastoma. Last evaluated: 2017-04-27. Review status: criteria provided, single submitter. Criteria: ICSL Variant Classification Criteria 13 December 2019. Collection method: clinical testing. Allele origin: germline.
Comment: This variant was observed as part of a predisposition screen in an ostensibly healthy population. A literature search was performed for the gene, cDNA change, and amino acid change (where applicable). Publications were found based on this search. However, the evidence from the literature, in combination with allele frequency data from public databases where available, was not sufficient to rule this variant in or out of causing disease. Therefore, this variant is classified as a variant of unknown significance.

PreventionGenetics, part of Exact Sciences
Classification: Likely benign for RB1-related condition. Last evaluated: 2024-06-03. Review status: no assertion criteria provided. Collection method: clinical testing. Allele origin: germline. Not counted in ClinVar's aggregate classification.
Comment: This variant is classified as likely benign based on ACMG/AMP sequence variant interpretation guidelines (Richards et al. 2015 PMID: 25741868, with internal and published modifications).

ITMI
No classification provided. Condition: AllHighlyPenetrant. Last evaluated: 2013-09-19. Review status: no classification provided. Collection method: reference population. Allele origin: germline. Not counted in ClinVar's aggregate classification.
Comment: Please see associated publication for description of ethnicities

Literature cited by the submitters: PubMed 24791139 (cited by Ambry Genetics and Illumina Laboratory Services, Illumina); PubMed 29192238 (cited by Ambry Genetics); PubMed 20059380 (cited by Illumina Laboratory Services, Illumina); PubMed 7795591 (cited by Illumina Laboratory Services, Illumina); PubMed 24728327 (cited by ITMI).